The following is an entry in ClinVar:

NM_001267550.2(TTN):c.103663G>A (p.Glu34555Lys)

Genes: TTN (titin; minus strand), TTN-AS1 (TTN antisense RNA 1; plus strand). Cytogenetic location: 2q31.2.
Variant type: single nucleotide variant.
Coding change: c.103663G>A on transcript NM_001267550.2 (MANE Select); coding-DNA position 103663, G replaced by A.
Protein change: p.Glu34555Lys; replaces glutamic acid 34555 with lysine.
Molecular consequence: missense variant.
Genome position (GRCh38, 1-based): chr2:178,532,952, C>T on the plus strand (G>A on the coding strand, the complement: TTN is on the minus strand). VCF-style: chr2-178532952-C-T. GRCh37 (hg19) VCF-style: chr2-179397679-C-T.
Other names: c.98740G>A, p.Glu32914Lys (NM_001256850.1); c.76468G>A, p.Glu25490Lys (NM_003319.4); c.95959G>A, p.Glu31987Lys (NM_133378.4); c.76843G>A, p.Glu25615Lys (NM_133432.3); c.77044G>A, p.Glu25682Lys (NM_133437.4); short protein forms E34555K, E25490K, E25615K, E25682K, E32914K, E31987K.
Identifiers: ClinVar variation 2936612 (VCV002936612.5), dbSNP rs1689837023, ClinGen allele CA349413786.

ClinVar aggregate classification (germline): Uncertain significance. Review status: criteria provided, multiple submitters, no conflicts (2 of 4 stars). 2 submissions from 2 submitters: Uncertain significance (2). Last evaluated 2025-11-19.

Conditions:
Dilated cardiomyopathy 1G (CMD1G). Identifiers: Orphanet 154, MedGen C1858763, MONDO:0011400, OMIM 604145.
Autosomal recessive limb-girdle muscular dystrophy type 2J (LGMDR10). Also called: Limb-girdle muscular dystrophy, type 2J; MUSCULAR DYSTROPHY, LIMB-GIRDLE, AUTOSOMAL RECESSIVE 10. Identifiers: Orphanet 140922, MedGen C1837342, MONDO:0012127, OMIM 608807.

Submissions (2):

GeneDx
Classification: Uncertain significance. Last evaluated: 2025-11-19. Review status: criteria provided, single submitter. Criteria: GeneDx Variant Classification Process June 2021. Collection method: clinical testing. Allele origin: germline.
Comment: Not observed at significant frequency in large population cohorts (gnomAD); Missense variant in a gene in which most reported pathogenic variants are truncating/loss of function; Has not been previously published as pathogenic or benign to our knowledge; This variant is associated with the following publications: (PMID: 23975875)

Labcorp Genetics (formerly Invitae), Labcorp
Classification: Uncertain significance for Dilated cardiomyopathy 1G; Autosomal recessive limb-girdle muscular dystrophy type 2J. Last evaluated: 2024-10-22. Review status: criteria provided, single submitter. Criteria: Invitae Variant Classification Sherloc (09022015). Collection method: clinical testing. Allele origin: germline.
Comment: This sequence change replaces glutamic acid, which is acidic and polar, with lysine, which is basic and polar, at codon 34555 of the TTN protein (p.Glu34555Lys). This variant is not present in population databases (gnomAD no frequency). This variant has not been reported in the literature in individuals affected with TTN-related conditions. Experimental studies and prediction algorithms are not available or were not evaluated, and the functional significance of this variant is currently unknown. This variant is located in the M band of TTN (PMID: 25589632). Non-truncating variants in this region may be relevant for neuromuscular disorders, but have not been definitively shown to cause cardiomyopathy (PMID: 23975875). In summary, the available evidence is currently insufficient to determine the role of this variant in disease. Therefore, it has been classified as a Variant of Uncertain Significance.

Literature cited by the submitters: PubMed 25589632 (cited by Labcorp Genetics (formerly Invitae), Labcorp); PubMed 23975875 (cited by Labcorp Genetics (formerly Invitae), Labcorp).